The following is an entry in ClinVar:

ClinVar aggregate classification (germline): Uncertain significance (1 of 4 stars; one submission).

Conditions:
Amyotrophic lateral sclerosis type 4 (ALS4). Also called: NEURONOPATHY, DISTAL HEREDITARY MOTOR, WITH PYRAMIDAL FEATURES; AMYOTROPHIC LATERAL SCLEROSIS 4, JUVENILE. Identifiers: Orphanet 357043, MedGen C1865409, MONDO:0011223, OMIM 602433.
Spinocerebellar ataxia, autosomal recessive, with axonal neuropathy 2 (SCAN2). Also called: Ataxia with Oculomotor Apraxia; Ataxia-ocular apraxia-2; ATAXIA-OCULOMOTOR APRAXIA 2; Ataxia with Oculomotor Apraxia Type 2. Identifiers: Orphanet 64753, MedGen C1853761, MONDO:0018996, OMIM 606002.

Allele frequency attached by ClinVar (database versions not stated): gnomAD exomes below 0.00001.
gnomAD v4.1: 1 of 1,614,082 alleles (0.000062%); highest among the groups gnomAD compares: Non-Finnish European, 0.000085%; no homozygotes.

Submission:

Labcorp Genetics (formerly Invitae), Labcorp
Classification: Uncertain significance for Amyotrophic lateral sclerosis type 4; Spinocerebellar ataxia, autosomal recessive, with axonal neuropathy 2. Last evaluated: 2020-08-20. Review status: criteria provided, single submitter. Criteria: Invitae Variant Classification Sherloc (09022015). Collection method: clinical testing. Allele origin: germline.
Comment: In summary, the available evidence is currently insufficient to determine the role of this variant in disease. Therefore, it has been classified as a Variant of Uncertain Significance. Advanced modeling of protein sequence and biophysical properties (such as structural, functional, and spatial information, amino acid conservation, physicochemical variation, residue mobility, and thermodynamic stability) performed at Invitae indicates that this missense variant is not expected to disrupt SETX protein function. This variant has not been reported in the literature in individuals with SETX-related conditions. This variant is not present in population databases (ExAC no frequency). This sequence change replaces threonine with alanine at codon 1217 of the SETX protein (p.Thr1217Ala). The threonine residue is weakly conserved and there is a small physicochemical difference between threonine and alanine.

NM_015046.7(SETX):c.3649A>G (p.Thr1217Ala)

Gene: SETX (senataxin; minus strand). Cytogenetic location: 9q34.13.
Variant type: single nucleotide variant.
Coding change: c.3649A>G on transcript NM_015046.7 (MANE Select); coding-DNA position 3649, A replaced by G.
Protein change: p.Thr1217Ala; replaces threonine 1217 with alanine.
Molecular consequence: missense variant.
Genome position (GRCh38, 1-based): chr9:132,327,949, T>C on the plus strand (A>G on the coding strand, the complement: SETX is on the minus strand). VCF-style: chr9-132327949-T-C. GRCh37 (hg19) VCF-style: chr9-135203336-T-C.
Other names: c.3649A>G, p.Thr1217Ala (NM_001351527.2, NM_001351528.2); short protein forms T1217A.
Identifiers: ClinVar variation 1021053 (VCV001021053.9), dbSNP rs1846942479, ClinGen allele CA375329869.